The following is an entry in ClinVar:

NM_020191.4(MRPS22):c.318G>A (p.Met106Ile)

Gene: MRPS22 (mitochondrial ribosomal protein S22; plus strand). Cytogenetic location: 3q23.
Variant type: single nucleotide variant.
Coding change: c.318G>A on transcript NM_020191.4 (MANE Select); coding-DNA position 318, G replaced by A.
Protein change: p.Met106Ile; replaces methionine 106 with isoleucine.
Molecular consequence: missense variant.
Genome position (GRCh38, 1-based): chr3:139,347,023, G>A. VCF-style: chr3-139347023-G-A. GRCh37 (hg19) VCF-style: chr3-139065865-G-A.
Other names: c.195G>A, p.Met65Ile (NM_001363857.1); c.315G>A, p.Met105Ile (NM_001363893.1); short protein forms M105I, M65I, M106I.
Identifiers: ClinVar variation 1029744 (VCV001029744.1), dbSNP rs973338617, ClinGen allele CA83993508.

ClinVar aggregate classification (germline): Uncertain significance (1 of 4 stars; one submission).

Conditions:
Hypotonia with lactic acidemia and hyperammonemia. Identifiers: Orphanet 137908, MedGen C2673642, MONDO:0012718, OMIM 611719.

Allele frequency attached by ClinVar (database versions not stated): gnomAD exomes below 0.00001; TOPMed below 0.00001.

Submission:

Baylor Genetics
Classification: Uncertain significance for Hypotonia with lactic acidemia and hyperammonemia. Last evaluated: 2019-03-14. Review status: criteria provided, single submitter. Criteria: ACMG Guidelines, 2015. Collection method: clinical testing. Allele origin: paternal. Affected: yes.
Comment: This variant was determined to be of uncertain significance according to ACMG Guidelines, 2015 [PMID:25741868].